The following is an entry in ClinVar:

ClinVar aggregate classification (germline): Conflicting classifications of pathogenicity. Review status: criteria provided, conflicting classifications (1 of 4 stars). 2 submissions from 2 submitters: Uncertain significance (1); Likely benign (1). Last evaluated 2023-02-07.

Conditions:
Inborn genetic diseases. Identifiers: MedGen C0950123, MeSH D030342.

Allele frequency attached by ClinVar (database versions not stated): gnomAD 0.00001; ExAC 0.00008; ESP Exome Variant Server 0.00008.
gnomAD v4.1: 25 of 1,612,928 alleles (0.0015%); highest among the groups gnomAD compares: East Asian, 0.0045%; no homozygotes.

Submissions (2):

Ambry Genetics
Classification: Likely benign for Inborn genetic diseases. Last evaluated: 2023-02-07. Review status: criteria provided, single submitter. Criteria: Ambry Variant Classification Scheme 2023. Collection method: clinical testing. Allele origin: germline.

Labcorp Genetics (formerly Invitae), Labcorp
Classification: Uncertain significance. Last evaluated: 2022-09-27. Review status: criteria provided, single submitter. Criteria: Invitae Variant Classification Sherloc (09022015). Collection method: clinical testing. Allele origin: germline.
Comment: This sequence change replaces arginine, which is basic and polar, with glutamine, which is neutral and polar, at codon 4 of the TULP1 protein (p.Arg4Gln). The frequency data for this variant in the population databases is considered unreliable, as metrics indicate poor data quality at this position in the gnomAD database. This variant has not been reported in the literature in individuals affected with TULP1-related conditions. Advanced modeling of protein sequence and biophysical properties (such as structural, functional, and spatial information, amino acid conservation, physicochemical variation, residue mobility, and thermodynamic stability) performed at Invitae indicates that this missense variant is not expected to disrupt TULP1 protein function. Algorithms developed to predict the effect of sequence changes on RNA splicing suggest that this variant may create or strengthen a splice site. In summary, the available evidence is currently insufficient to determine the role of this variant in disease. Therefore, it has been classified as a Variant of Uncertain Significance.

NM_003322.6(TULP1):c.11G>A (p.Arg4Gln)

Gene: TULP1 (TUB like protein 1; minus strand). Cytogenetic location: 6p21.31.
Variant type: single nucleotide variant.
Coding change: c.11G>A on transcript NM_003322.6 (MANE Select); coding-DNA position 11, G replaced by A.
Protein change: p.Arg4Gln; replaces arginine 4 with glutamine.
Molecular consequence: missense variant.
Genome position (GRCh38, 1-based): chr6:35,512,848, C>T on the plus strand (G>A on the coding strand, the complement: TULP1 is on the minus strand). VCF-style: chr6-35512848-C-T. GRCh37 (hg19) VCF-style: chr6-35480625-C-T.
Other names: c.11G>A, p.Arg4Gln (NM_001289395.2); c.11G>A (NM_003322.3); short protein forms R4Q.
Identifiers: ClinVar variation 2136429 (VCV002136429.3), dbSNP rs373351673, ClinGen allele CA3773069.
Genomic context (GRCh38, chr6:35,512,848, plus strand): 5'-CCACGAACTGGGGGCCTTCCAGACCTGTCAGAGGCCCACACCTCTCGGAGGGTTTCATCC[C>T]GCAGAGGCATGGTGCCTTTGCCTATCGCACCCCTTTCTCTGCAGGTCTAGGAGCCTCCCT-3'
Protein context (NP_003313.3, residues 1-14): MPL[Arg4Gln]DETLREVWAS